The following is an entry in ClinVar:

ClinVar aggregate classification (germline): Pathogenic (1 of 4 stars; one submission).

Submission:

GeneDx
Classification: Pathogenic. Last evaluated: 2018-01-31. Review status: criteria provided, single submitter. Criteria: GeneDx Variant Classification (06012015). Collection method: clinical testing. Allele origin: germline. Affected: yes.
Comment: The W484X variant in the GLI3 gene has not been reported previously as a pathogenic variant nor as a benign variant, to our knowledge. This variant is predicted to cause loss of normal protein function either through protein truncation or nonsense-mediated mRNA decay. The W484X variant is not observed in large population cohorts (Lek et al., 2016). We interpret W484X as a pathogenic variant.

NM_000168.6(GLI3):c.1452G>A (p.Trp484Ter)

Gene: GLI3 (GLI family zinc finger 3; minus strand). Cytogenetic location: 7p14.1.
Variant type: single nucleotide variant.
Coding change: c.1452G>A on transcript NM_000168.6 (MANE Select); coding-DNA position 1452, G replaced by A.
Protein change: p.Trp484Ter; replaces tryptophan 484 with a stop codon.
Molecular consequence: nonsense.
Genome position (GRCh38, 1-based): chr7:42,023,513, C>T on the plus strand (G>A on the coding strand, the complement: GLI3 is on the minus strand). VCF-style: chr7-42023513-C-T. GRCh37 (hg19) VCF-style: chr7-42063112-C-T.
Other names: short protein forms W484*.
Identifiers: ClinVar variation 504131 (VCV000504131.2), dbSNP rs1554314595, ClinGen allele CA367323902.